The following is an entry in ClinVar:

ClinVar aggregate classification (germline): Likely pathogenic (1 of 4 stars; one submission).

Submission:

Labcorp Genetics (formerly Invitae), Labcorp
Classification: Likely pathogenic. Last evaluated: 2021-02-19. Review status: criteria provided, single submitter. Criteria: Invitae Variant Classification Sherloc (09022015). Collection method: clinical testing. Allele origin: germline.
Comment: In summary, the currently available evidence indicates that the variant is pathogenic, but additional data are needed to prove that conclusively. Therefore, this variant has been classified as Likely Pathogenic. Algorithms developed to predict the effect of missense changes on protein structure and function are either unavailable or do not agree on the potential impact of this missense change (SIFT: "Deleterious"; PolyPhen-2: "Benign"; Align-GVGD: "Class C0"). This variant has been observed in individual(s) with clinical features of intellectual disability syndrome (Invitae). In at least one individual the variant was observed to be de novo. This variant is not present in population databases (ExAC no frequency). This sequence change replaces proline with glutamine at codon 638 of the ZNF148 protein (p.Pro638Gln). The proline residue is moderately conserved and there is a moderate physicochemical difference between proline and glutamine.

NM_021964.3(ZNF148):c.1913C>A (p.Pro638Gln)

Genes: ZNF148 (zinc finger protein 148; minus strand), LOC126806798 (P300/CBP strongly-dependent group 1 enhancer GRCh37_chr3:124950809-124952008; plus strand). Cytogenetic location: 3q21.2.
Variant type: single nucleotide variant.
Coding change: c.1913C>A on transcript NM_021964.3 (MANE Select); coding-DNA position 1913, C replaced by A.
Protein change: p.Pro638Gln; replaces proline 638 with glutamine.
Molecular consequence: missense variant.
Genome position (GRCh38, 1-based): chr3:125,232,813, G>T on the plus strand (C>A on the coding strand, the complement: ZNF148 is on the minus strand). VCF-style: chr3-125232813-G-T. GRCh37 (hg19) VCF-style: chr3-124951657-G-T.
Other names: c.1913C>A, p.Pro638Gln (NM_001348424.1, NM_001348425.2, NM_001348426.2 and 7 more transcripts); c.1787C>A, p.Pro596Gln (NM_001348434.2); short protein forms P638Q, P596Q.
Identifiers: ClinVar variation 1507969 (VCV001507969.8), dbSNP rs2107830116, ClinGen allele CA354294266.